The following is an entry in ClinVar:

NM_000195.5(HPS1):c.734_735del (p.Tyr245fs)

Gene: HPS1 (HPS1 biogenesis of lysosomal organelles complex 3 subunit 1; minus strand). Cytogenetic location: 10q24.2.
Variant type: Deletion.
Coding change: c.734_735del on transcript NM_000195.5 (MANE Select); coding-DNA positions 734 to 735, 2 bases deleted (AC; older notation c.734_735delAC).
Protein change: p.Tyr245fs; shifts the reading frame from tyrosine 245.
Molecular consequence: frameshift variant. On other transcripts: 5 prime UTR variant (3).
Genome position (GRCh38, 1-based): chr10:98,430,604-98,430,605, GT deleted on the plus strand (AC on the coding strand, the reverse complement: HPS1 is on the minus strand). VCF-style (leftmost placement, unchanged base first): chr10-98430603-GGT-G. GRCh37 (hg19) VCF-style: chr10-100190360-GGT-G.
Other names: c.-140_-139del (NM_001311345.2, NM_001322489.2); c.734_735del, p.Tyr245fs (NM_001322476.2, NM_001322477.2, NM_001322478.2 and 3 more transcripts); c.473_474del, p.Tyr158fs (NM_001322480.2, NM_001322481.2, NM_001322482.2); c.365_366del, p.Tyr122fs (NM_001322483.2, NM_001322484.2, NM_001322485.2); c.-239_-238del (NM_001322487.2); c.616_617del, p.Thr206fs (NM_001322490.2, NM_001322492.2); short protein forms Y158fs, T206fs, Y245fs, Y122fs.
Identifiers: ClinVar variation 5003964 (VCV005003964.1).
Genomic context (GRCh38, chr10:98,430,603, plus strand): 5'-CCCTCTGCCCAGAAAGCTGCCCTGAGACCTGAATGTCGTCCTCTGCTGTGCTCTCGCTGG[GGT>G]AGAGGTCCTGAACCAGGAGGATGAGGGCAAGCAGGTCGGCCGGGCGCAGGGAGCTGGCAC-3'

ClinVar aggregate classification (germline): Pathogenic (1 of 4 stars; one submission).

Conditions:
Hermansky-Pudlak syndrome 1 (HPS1). Also called: DELTA STORAGE POOL DISEASE. Identifiers: Orphanet 231500, Orphanet 79430, MedGen C2931875, MONDO:0008748, OMIM 203300.

Submission:

Myriad Genetics, Inc.
Classification: Pathogenic for Hermansky-Pudlak syndrome 1. Last evaluated: 2026-01-27. Review status: criteria provided, single submitter. Criteria: Myriad Autosomal Dominant, Autosomal Recessive and X-Linked Classification Criteria (2023). Collection method: clinical testing. Allele origin: unknown.
Comment: NM_000195.3(HPS1):c.734_735delAC(Y245Sfs*53) is a frameshift variant classified as pathogenic in the context of Hermansky-Pudlak syndrome, HPS1-related. Y245Sfs*53 has not been observed in cases with relevant disease. Relevant functional assessments of this variant are not available in the literature. Y245Sfs*53 has not been observed in referenced population frequency databases. In summary, NM_000195.3(HPS1):c.734_735delAC(Y245Sfs*53) is a frameshift variant in a gene where loss of function is a known mechanism of disease and is predicted to disrupt protein function. Please note: this variant was assessed in the context of healthy population screening.